The following is an entry in ClinVar:

NM_006096.4(NDRG1):c.458del (p.Asn153fs)

Gene: NDRG1 (N-myc downstream regulated 1; minus strand). Cytogenetic location: 8q24.22.
Variant type: Deletion.
Coding change: c.458del on transcript NM_006096.4 (MANE Select); coding-DNA position 458, one base deleted (A; older notation c.458delA).
Protein change: p.Asn153fs; shifts the reading frame from asparagine 153.
Molecular consequence: frameshift variant.
Genome position (GRCh38, 1-based): chr8:133,256,856, T deleted on the plus strand (A on the coding strand, the reverse complement: NDRG1 is on the minus strand); the first of 2 consecutive T bases (chr8:133,256,856-133,256,857); deleting either gives the same sequence. VCF-style (leftmost placement, unchanged base first): chr8-133256855-GT-G. GRCh37 (hg19) VCF-style: chr8-134269098-GT-G.
Other names: c.458delA (NM_006096.3); c.458del, p.Asn153fs (NM_001135242.2, NM_001374844.1, NM_001374845.1 and 1 more transcripts); c.260del, p.Asn87fs (NM_001258432.2, NM_001374847.1); c.215del, p.Asn72fs (NM_001258433.2); short protein forms N153fs, N72fs, N87fs.
Identifiers: ClinVar variation 4815493 (VCV004815493.1).

ClinVar aggregate classification (germline): Likely pathogenic (1 of 4 stars; one submission).

Conditions:
Charcot-Marie-Tooth disease type 4D. Also called: CHARCOT-MARIE-TOOTH DISEASE, DEMYELINATING, TYPE 4D; CHARCOT-MARIE-TOOTH DISEASE, DEMYELINATING, AUTOSOMAL RECESSIVE, TYPE 4D; NEUROPATHY, HEREDITARY MOTOR AND SENSORY, LOM TYPE; Charcot-Marie-Tooth Neuropathy Type 4D. Identifiers: Orphanet 99950, MedGen C1832334, MONDO:0011085, OMIM 601455.

Submission:

Natera, Inc.
Classification: Likely pathogenic for Charcot-Marie-Tooth disease type 4D. Last evaluated: 2024-02-20. Review status: criteria provided, single submitter. Criteria: Natera Variant Classification Schema (03/2026). Collection method: clinical testing. Allele origin: germline.
Comment: The c.458delA variant in NDRG1 is a frameshift variant predicted to shift the reading frame beginning at codon 153 and leads to a stop codon 13 codons downstream. This variant is expected to result in nonsense mediated decay, truncation, or a dysfunctional protein product. This variant is rare in the general population with a frequency below the threshold expected for the associated phenotype(s). Given the available evidence, this variant is classified as Likely Pathogenic.